The following is an entry in ClinVar:

ClinVar aggregate classification (germline): Likely benign (1 of 4 stars; one submission).

gnomAD v4.1: 3 of 1,608,816 alleles (0.00019%); highest among the groups gnomAD compares: Non-Finnish European, 0.00025%; no homozygotes.

Submission:

CeGaT Center for Human Genetics Tuebingen
Classification: Likely benign. Last evaluated: 2026-06-01. Review status: criteria provided, single submitter. Criteria: CeGaT Center For Human Genetics Tuebingen Variant Classification Criteria Version 2. Collection method: clinical testing. Allele origin: germline. Affected: yes. Observed: 1 variant allele.
Comment: TBC1D24: BP4, BP7

NM_001199107.2(TBC1D24):c.381C>T (p.Asp127=)

Gene: TBC1D24 (TBC1 domain family member 24; plus strand). Cytogenetic location: 16p13.3.
Variant type: single nucleotide variant.
Coding change: c.381C>T on transcript NM_001199107.2 (MANE Select); coding-DNA position 381, C replaced by T.
Protein change: p.Asp127=; no amino-acid change (aspartic acid 127 retained).
Molecular consequence: synonymous variant.
Genome position (GRCh38, 1-based): chr16:2,496,529, C>T. VCF-style: chr16-2496529-C-T. GRCh37 (hg19) VCF-style: chr16-2546530-C-T.
Other names: c.381C>T, p.Asp127= (NM_020705.3).
Identifiers: ClinVar variation 4875249 (VCV004875249.2).